The following is an entry in ClinVar:

ClinVar aggregate classification (germline): Uncertain significance (1 of 4 stars; one submission).

Allele frequency attached by ClinVar (database versions not stated): gnomAD exomes below 0.00001.
gnomAD v4.1: 1 of 1,614,148 alleles (0.000062%); highest among the groups gnomAD compares: Non-Finnish European, 0.000085%; no homozygotes.

Submission:

Labcorp Genetics (formerly Invitae), Labcorp
Classification: Uncertain significance. Last evaluated: 2023-12-13. Review status: criteria provided, single submitter. Criteria: Invitae Variant Classification Sherloc (09022015). Collection method: clinical testing. Allele origin: germline.
Comment: This sequence change replaces proline, which is neutral and non-polar, with leucine, which is neutral and non-polar, at codon 794 of the KCNH1 protein (p.Pro794Leu). This variant is not present in population databases (gnomAD no frequency). This variant has not been reported in the literature in individuals affected with KCNH1-related conditions. Advanced modeling of protein sequence and biophysical properties (such as structural, functional, and spatial information, amino acid conservation, physicochemical variation, residue mobility, and thermodynamic stability) performed at Invitae indicates that this missense variant is not expected to disrupt KCNH1 protein function with a negative predictive value of 95%. In summary, the available evidence is currently insufficient to determine the role of this variant in disease. Therefore, it has been classified as a Variant of Uncertain Significance.

NM_172362.3(KCNH1):c.2381C>T (p.Pro794Leu)

Gene: KCNH1 (potassium voltage-gated channel subfamily H member 1; minus strand). Cytogenetic location: 1q32.2.
Variant type: single nucleotide variant.
Coding change: c.2381C>T on transcript NM_172362.3 (MANE Select); coding-DNA position 2381, C replaced by T.
Protein change: p.Pro794Leu; replaces proline 794 with leucine.
Molecular consequence: missense variant.
Genome position (GRCh38, 1-based): chr1:210,683,870, G>A on the plus strand (C>T on the coding strand, the complement: KCNH1 is on the minus strand). VCF-style: chr1-210683870-G-A. GRCh37 (hg19) VCF-style: chr1-210857212-G-A.
Other names: c.2300C>T, p.Pro767Leu (NM_002238.4); short protein forms P794L, P767L.
Identifiers: ClinVar variation 2702655 (VCV002702655.3), dbSNP rs2546370642, ClinGen allele CA344871290.
Genomic context (GRCh38, chr1:210,683,870, plus strand): 5'-AGCTTTGCGTGGTCTGGCACCCCGGAGGTGGAGGCTGCCTGGAAGGATACGGGCGTGGCA[G>A]GACTCTCACGCACGGTGACCACGCTGGCCTTCACGAGGCTGTGGTTGGCGGAGGCATGCT-3'
Protein context (NP_758872.1, residues 784-804): KASVVTVRES[Pro794Leu]ATPVSFQAAS